The following is an entry in ClinVar:

NM_018896.5(CACNA1G):c.1504C>T (p.His502Tyr)

Gene: CACNA1G (calcium voltage-gated channel subunit alpha1 G; plus strand). Cytogenetic location: 17q21.33.
Variant type: single nucleotide variant.
Coding change: c.1504C>T on transcript NM_018896.5 (MANE Select); coding-DNA position 1504, C replaced by T.
Protein change: p.His502Tyr; replaces histidine 502 with tyrosine.
Molecular consequence: missense variant. On other transcripts: non-coding transcript variant (5).
Genome position (GRCh38, 1-based): chr17:50,575,906, C>T. VCF-style: chr17-50575906-C-T. GRCh37 (hg19) VCF-style: chr17-48653267-C-T.
Other names: c.1504C>T, p.His502Tyr (NM_198387.3, NM_198388.3, NM_198396.3 and 24 more transcripts); c.1504C>T (NM_018896.3); short protein forms H502Y.
Identifiers: ClinVar variation 3777368 (VCV003777368.2).
Genomic context (GRCh38, chr17:50,575,906, plus strand): 5'-TGCTCTCGCTCCCACCGCCGCCTATCCGTCCACCACCTGGTGCACCACCACCACCACCAT[C>T]ACCACCACTACCACCTGGGCAATGGGACGCTCAGGGCCCCCCGGGCCAGCCCGGAGATCC-3'
Protein context (NP_061496.2, residues 492-512): HHLVHHHHHH[His502Tyr]HHYHLGNGTL

ClinVar aggregate classification (germline): Uncertain significance. Review status: criteria provided, multiple submitters, no conflicts (2 of 4 stars). 2 submissions from 2 submitters: Uncertain significance (2). Last evaluated 2025-10-14.

Conditions:
Inborn genetic diseases. Identifiers: MedGen C0950123, MeSH D030342.

gnomAD v4.1: 4 of 1,558,132 alleles (0.00026%); highest among the groups gnomAD compares: African/African-American, 0.0041%; no homozygotes.

Submissions (2):

Ambry Genetics
Classification: Uncertain significance for Inborn genetic diseases. Last evaluated: 2025-10-14. Review status: criteria provided, single submitter. Criteria: Ambry Variant Classification Scheme 2023. Collection method: clinical testing. Allele origin: germline.

GeneDx
Classification: Uncertain significance. Last evaluated: 2024-10-08. Review status: criteria provided, single submitter. Criteria: GeneDx Variant Classification Process June 2021. Collection method: clinical testing. Allele origin: germline. Affected: yes.
Comment: Not observed at significant frequency in large population cohorts (gnomAD); In silico analysis supports that this missense variant has a deleterious effect on protein structure/function; Has not been previously published as pathogenic or benign to our knowledge